The following is an entry in ClinVar:

NM_057175.5(NAA15):c.1841A>C (p.Asn614Thr)

Gene: NAA15 (N-alpha-acetyltransferase 15, NatA auxiliary subunit; plus strand). Cytogenetic location: 4q31.1.
Variant type: single nucleotide variant.
Coding change: c.1841A>C on transcript NM_057175.5 (MANE Select); coding-DNA position 1841, A replaced by C.
Protein change: p.Asn614Thr; replaces asparagine 614 with threonine.
Molecular consequence: missense variant.
Genome position (GRCh38, 1-based): chr4:139,370,298, A>C. VCF-style: chr4-139370298-A-C. GRCh37 (hg19) VCF-style: chr4-140291452-A-C.
Other names: c.*250A>C (NM_025085.2); c.1841A>C, p.Asn614Thr (NM_001410842.1); short protein forms N614T.
Identifiers: ClinVar variation 3006078 (VCV003006078.3), dbSNP rs1748400079, ClinGen allele CA358269535.

ClinVar aggregate classification (germline): Uncertain significance (1 of 4 stars; one submission).

Allele frequency attached by ClinVar (database versions not stated): TOPMed below 0.00001.
gnomAD v4.1: 2 of 1,598,520 alleles (0.00013%); highest among the groups gnomAD compares: African/African-American, 0.0027%; no homozygotes.

Submission:

Labcorp Genetics (formerly Invitae), Labcorp
Classification: Uncertain significance. Last evaluated: 2023-04-06. Review status: criteria provided, single submitter. Criteria: Invitae Variant Classification Sherloc (09022015). Collection method: clinical testing. Allele origin: germline.
Comment: This sequence change replaces asparagine, which is neutral and polar, with threonine, which is neutral and polar, at codon 614 of the NAA15 protein (p.Asn614Thr). This variant is not present in population databases (gnomAD no frequency). This variant has not been reported in the literature in individuals affected with NAA15-related conditions. An algorithm developed to predict the effect of missense changes on protein structure and function (PolyPhen-2) suggests that this variant is likely to be tolerated. In summary, the available evidence is currently insufficient to determine the role of this variant in disease. Therefore, it has been classified as a Variant of Uncertain Significance.